The following is an entry in ClinVar:

NM_058246.4(DNAJB6):c.725G>A (p.Arg242His)

Gene: DNAJB6 (DnaJ heat shock protein family (Hsp40) member B6; plus strand). Cytogenetic location: 7q36.3.
Variant type: single nucleotide variant.
Coding change: c.725G>A on transcript NM_058246.4 (MANE Select); coding-DNA position 725, G replaced by A.
Protein change: p.Arg242His; replaces arginine 242 with histidine.
Molecular consequence: missense variant.
Genome position (GRCh38, 1-based): chr7:157,409,828, G>A. VCF-style: chr7-157409828-G-A. GRCh37 (hg19) VCF-style: chr7-157202522-G-A.
Other names: c.380G>A, p.Arg127His (NM_001363676.1); short protein forms R242H, R127H.
Identifiers: ClinVar variation 2784292 (VCV002784292.3), dbSNP rs779218392, ClinGen allele CA4590639.

ClinVar aggregate classification (germline): Uncertain significance (1 of 4 stars; one submission).

Conditions:
Autosomal dominant limb-girdle muscular dystrophy type 1D (DNAJB6) (LGMDD1). Also called: MUSCULAR DYSTROPHY, LIMB-GIRDLE, TYPE 1D; MUSCULAR DYSTROPHY, AUTOSOMAL DOMINANT, WITH RIMMED VACUOLES; Autosomal dominant limb-girdle muscular dystrophy type 1D; Muscular dystrophy, limb-girdle, autosomal dominant 1. Identifiers: Orphanet 34516, MedGen C4721885, MONDO:0021018, OMIM 603511.

Allele frequency attached by ClinVar (database versions not stated): gnomAD exomes 0.00002.
gnomAD v4.1: 32 of 1,533,218 alleles (0.0021%); highest among the groups gnomAD compares: East Asian, 0.034%; no homozygotes.

Submission:

Labcorp Genetics (formerly Invitae), Labcorp
Classification: Uncertain significance for Autosomal dominant limb-girdle muscular dystrophy type 1D (DNAJB6). Last evaluated: 2025-10-09. Review status: criteria provided, single submitter. Criteria: Invitae Variant Classification Sherloc (09022015). Collection method: clinical testing. Allele origin: germline.
Comment: This sequence change replaces arginine, which is basic and polar, with histidine, which is basic and polar, at codon 242 of the DNAJB6 protein (p.Arg242His). The frequency data for this variant in the population databases is considered unreliable, as metrics indicate poor data quality at this position in the gnomAD database. This variant has not been reported in the literature in individuals affected with DNAJB6-related conditions. ClinVar contains an entry for this variant (Variation ID: 2784292). Invitae Evidence Modeling of protein sequence and biophysical properties (such as structural, functional, and spatial information, amino acid conservation, physicochemical variation, residue mobility, and thermodynamic stability) indicates that this missense variant is not expected to disrupt DNAJB6 protein function with a negative predictive value of 80%. In summary, the available evidence is currently insufficient to determine the role of this variant in disease. Therefore, it has been classified as a Variant of Uncertain Significance.